The following is an entry in ClinVar:

ClinVar aggregate classification (germline): Benign/Likely benign. Review status: criteria provided, multiple submitters, no conflicts (2 of 4 stars). 5 submissions from 5 submitters: Benign (2); Likely benign (3). Last evaluated 2026-01-25.

Conditions:
Osteopetrosis. Identifiers: Orphanet 2781, MedGen C0029454, MONDO:0017198, HP:0011002.

Allele frequency attached by ClinVar (database versions not stated): gnomAD exomes 0.00045 and 0.00117; ExAC 0.00145; gnomAD 0.00457 and 0.00491; ESP Exome Variant Server 0.00477; 1000 Genomes Project 0.00479; 1000 Genomes Project 30x 0.00500; TOPMed 0.00522.
gnomAD v4.1: 1,377 of 1,612,678 alleles (0.085%); highest among the groups gnomAD compares: African/African-American, 1.5%; 8 homozygotes.

Submissions (5):

Labcorp Genetics (formerly Invitae), Labcorp
Classification: Benign. Last evaluated: 2026-01-25. Review status: criteria provided, single submitter. Criteria: Invitae Variant Classification Sherloc (09022015). Collection method: clinical testing. Allele origin: germline.

Blueprint Genetics
Classification: Likely benign. Last evaluated: 2024-11-26. Review status: criteria provided, single submitter. Criteria: ACMG Guidelines, 2015. Collection method: clinical testing. Allele origin: germline.

Illumina Laboratory Services, Illumina
Classification: Benign for Osteopetrosis. Last evaluated: 2017-04-27. Review status: criteria provided, single submitter. Criteria: ICSL Variant Classification Criteria 13 December 2019. Collection method: clinical testing. Allele origin: germline.
Comment: This variant was observed as part of a predisposition screen in an ostensibly healthy population. A literature search was performed for the gene, cDNA change, and amino acid change (where applicable). No publications were found based on this search. Allele frequency data from public databases was too high to be consistent with this variant causing disease. Therefore, this variant is classified as benign.

Center for Pediatric Genomic Medicine, Children's Mercy Hospital and Clinics
Classification: Likely benign. Last evaluated: 2015-06-12. Review status: criteria provided, single submitter. Criteria: ACMG Guidelines, 2015. Collection method: clinical testing. Allele origin: germline.
ClinVar note: Converted during submission from Likely Benign to Likely benign.

Breakthrough Genomics
Classification: Likely benign. Review status: criteria provided, single submitter. Criteria: ACMG Guidelines, 2015. Collection method: not provided. Allele origin: germline. Inheritance: Autosomal recessive inheritance. Affected: yes.

NM_001287.6(CLCN7):c.1961C>T (p.Thr654Met)

Gene: CLCN7 (Cl-/H+ antiporter 7; minus strand). Cytogenetic location: 16p13.3.
Variant type: single nucleotide variant.
Coding change: c.1961C>T on transcript NM_001287.6 (MANE Select); coding-DNA position 1961, C replaced by T.
Protein change: p.Thr654Met; replaces threonine 654 with methionine.
Molecular consequence: missense variant.
Genome position (GRCh38, 1-based): chr16:1,448,407, G>A on the plus strand (C>T on the coding strand, the complement: CLCN7 is on the minus strand). VCF-style: chr16-1448407-G-A. GRCh37 (hg19) VCF-style: chr16-1498408-G-A.
Other names: c.1889C>T, p.Thr630Met (NM_001114331.3); short protein forms T654M, T630M.
Identifiers: ClinVar variation 235666 (VCV000235666.19), dbSNP rs114827619, ClinGen allele CA7809972.